The following is an entry in ClinVar:

NM_001005498.4(RHBDF2):c.2475G>A (p.Val825=)

Gene: RHBDF2 (rhomboid 5 homolog 2; minus strand). Cytogenetic location: 17q25.1.
Variant type: single nucleotide variant.
Coding change: c.2475G>A on transcript NM_001005498.4 (MANE Select); coding-DNA position 2475, G replaced by A.
Protein change: p.Val825=; no amino-acid change (valine 825 retained).
Molecular consequence: synonymous variant. On other transcripts: non-coding transcript variant (3).
Genome position (GRCh38, 1-based): chr17:76,471,642, C>T on the plus strand (G>A on the coding strand, the complement: RHBDF2 is on the minus strand). VCF-style: chr17-76471642-C-T. GRCh37 (hg19) VCF-style: chr17-74467724-C-T.
Other names: c.2475G>A, p.Val825= (NM_001376230.1, NM_001376228.1, NM_001376229.1); c.2562G>A, p.Val854= (NM_024599.5).
Identifiers: ClinVar variation 3611768 (VCV003611768.2).
Genomic context (GRCh38, chr17:76,471,642, plus strand): 5'-CAGGCAGACCCTGTTCCAGCAGGGCTGAGGGGCAGCCGTGTGGCCCAGCGGTCAGTGCAG[C>T]ACCTGGTCCAGCTCATACTTCTCGCAGAAGCGGCTGGTGAAGGGGAAGCAGGTGAGGTGC-3'
Protein context (NP_001005498.2, residues 815-827): RFCEKYELDQ[Val825=]LH

ClinVar aggregate classification (germline): Uncertain significance (1 of 4 stars; one submission).

gnomAD v4.1: 2 of 1,599,754 alleles (0.00013%); highest among the groups gnomAD compares: East Asian, 0.0022%; no homozygotes.

Submission:

Labcorp Genetics (formerly Invitae), Labcorp
Classification: Uncertain significance. Last evaluated: 2024-10-29. Review status: criteria provided, single submitter. Criteria: Invitae Variant Classification Sherloc (09022015). Collection method: clinical testing. Allele origin: germline.
Comment: This sequence change affects codon 854 of the RHBDF2 mRNA. It is a 'silent' change, meaning that it does not change the encoded amino acid sequence of the RHBDF2 protein. This variant is not present in population databases (gnomAD no frequency). This variant has not been reported in the literature in individuals affected with RHBDF2-related conditions. Algorithms developed to predict the effect of sequence changes on RNA splicing suggest that this variant may create or strengthen a splice site. In summary, the available evidence is currently insufficient to determine the role of this variant in disease. Therefore, it has been classified as a Variant of Uncertain Significance.